The following is an entry in ClinVar:

ClinVar aggregate classification (germline): Uncertain significance (1 of 4 stars; one submission).

Submission:

Labcorp Genetics (formerly Invitae), Labcorp
Classification: Uncertain significance. Last evaluated: 2022-08-23. Review status: criteria provided, single submitter. Criteria: Invitae Variant Classification Sherloc (09022015). Collection method: clinical testing. Allele origin: germline.
Comment: This variant is not present in population databases (gnomAD no frequency). This variant has not been reported in the literature in individuals affected with SCN3A-related conditions. ClinVar contains an entry for this variant (Variation ID: 1381708). Algorithms developed to predict the effect of missense changes on protein structure and function (SIFT, PolyPhen-2, Align-GVGD) all suggest that this variant is likely to be disruptive. In summary, the available evidence is currently insufficient to determine the role of this variant in disease. Therefore, it has been classified as a Variant of Uncertain Significance. This sequence change replaces alanine, which is neutral and non-polar, with threonine, which is neutral and polar, at codon 201 of the SCN3A protein (p.Ala201Thr).

NM_006922.4(SCN3A):c.601G>A (p.Ala201Thr)

Gene: SCN3A (sodium voltage-gated channel alpha subunit 3; minus strand). Cytogenetic location: 2q24.3.
Variant type: single nucleotide variant.
Coding change: c.601G>A on transcript NM_006922.4 (MANE Select); coding-DNA position 601, G replaced by A.
Protein change: p.Ala201Thr; replaces alanine 201 with threonine.
Molecular consequence: missense variant.
Genome position (GRCh38, 1-based): chr2:165,164,393, C>T on the plus strand (G>A on the coding strand, the complement: SCN3A is on the minus strand). VCF-style: chr2-165164393-C-T. GRCh37 (hg19) VCF-style: chr2-166020903-C-T.
Other names: c.601G>A, p.Ala201Thr (NM_001081676.2, NM_001081677.2); short protein forms A201T.
Identifiers: ClinVar variation 1381708 (VCV001381708.6), dbSNP rs2105895052, ClinGen allele CA349239875.